The following is an entry in ClinVar:

ClinVar aggregate classification (germline): Likely benign. Review status: criteria provided, multiple submitters, no conflicts (2 of 4 stars). 3 submissions from 3 submitters: Likely benign (3). Last evaluated 2026-09-10.

Conditions:
Hereditary sensory neuropathy-deafness-dementia syndrome. Also called: NEUROPATHY, HEREDITARY SENSORY, WITH HEARING LOSS AND DEMENTIA; Hereditary Sensory and Autonomic Neuropathy Type 1E (HSAN1E); HSN IE; Hereditary sensory neuropathy type IE. Identifiers: Orphanet 456318, MedGen C3279885, MONDO:0013584, OMIM 614116.
DNMT1-related disorder. Also called: DNMT1-related condition. Identifiers: MedGen CN381527.

Allele frequency attached by ClinVar (database versions not stated): TOPMed below 0.00001; gnomAD 0.00001; ExAC 0.00002; 1000 Genomes Project 30x 0.00016; 1000 Genomes Project 0.00020.
gnomAD v4.1: 3 of 1,613,892 alleles (0.00019%); highest among the groups gnomAD compares: African/African-American, 0.0013%; no homozygotes.

Submissions (3):

PreventionGenetics, part of Exact Sciences
Classification: Likely benign for DNMT1-related condition. Last evaluated: 2026-09-10. Review status: criteria provided, single submitter. Criteria: ACMG Guidelines, 2015. Collection method: clinical testing. Allele origin: germline.
Comment: This variant is classified as likely benign based on ACMG/AMP sequence variant interpretation guidelines (Richards et al. 2015 PMID: 25741868, with internal and published modifications).

Blueprint Genetics
Classification: Likely benign. Last evaluated: 2024-09-20. Review status: criteria provided, single submitter. Criteria: ACMG Guidelines, 2015. Collection method: clinical testing. Allele origin: germline.

Labcorp Genetics (formerly Invitae), Labcorp
Classification: Likely benign for Hereditary sensory neuropathy-deafness-dementia syndrome. Last evaluated: 2024-08-06. Review status: criteria provided, single submitter. Criteria: Invitae Variant Classification Sherloc (09022015). Collection method: clinical testing. Allele origin: germline.

NM_001130823.3(DNMT1):c.3117-6T>C

Gene: DNMT1 (DNA methyltransferase 1; minus strand). Cytogenetic location: 19p13.2.
Variant type: single nucleotide variant.
Coding change: c.3117-6T>C on transcript NM_001130823.3 (MANE Select); 6 bases into the intron before coding-DNA position 3117, T replaced by C.
Molecular consequence: intron variant.
Genome position (GRCh38, 1-based): chr19:10,142,226, A>G on the plus strand (T>C on the coding strand, the complement: DNMT1 is on the minus strand). VCF-style: chr19-10142226-A-G. GRCh37 (hg19) VCF-style: chr19-10252902-A-G.
Other names: c.3117-6T>C (NM_001130823.2); c.2754-6T>C (NM_001318731.2); c.3069-6T>C (NM_001379.4, NM_001318730.2).
Identifiers: ClinVar variation 1915217 (VCV001915217.7), dbSNP rs201607174, ClinGen allele CA9187834.